The following is an entry in ClinVar:

NM_020812.4(DOCK6):c.670C>T (p.Arg224Trp)

Gene: DOCK6 (dedicator of cytokinesis 6; minus strand). Cytogenetic location: 19p13.2.
Variant type: single nucleotide variant.
Coding change: c.670C>T on transcript NM_020812.4 (MANE Select); coding-DNA position 670, C replaced by T.
Protein change: p.Arg224Trp; replaces arginine 224 with tryptophan.
Molecular consequence: missense variant.
Genome position (GRCh38, 1-based): chr19:11,250,924, G>A on the plus strand (C>T on the coding strand, the complement: DOCK6 is on the minus strand). VCF-style: chr19-11250924-G-A. GRCh37 (hg19) VCF-style: chr19-11361600-G-A.
Other names: c.670C>T, p.Arg224Trp (NM_001367830.1); c.670C>T (NM_020812.2); short protein forms R224W.
Identifiers: ClinVar variation 1505707 (VCV001505707.4), dbSNP rs749126374, ClinGen allele CA9208412.
Genomic context (GRCh38, chr19:11,250,924, plus strand): 5'-GGGCACCCACCTCGTCAGGTGCCGGGTAGAGGGTGAGCAGGGCCGGGGGCCGGTGCTGCC[G>A]TCGAAGGGTTTCATTGCGCCGGTCCACATCTTCTGGGGCCGCCCGCTCTAGCAGAGAGGG-3'
Protein context (NP_065863.2, residues 214-234): DVDRRNETLR[Arg224Trp]QHRPPALLTL

ClinVar aggregate classification (germline): Uncertain significance. Review status: criteria provided, multiple submitters, no conflicts (2 of 4 stars). 2 submissions from 2 submitters: Uncertain significance (2). Last evaluated 2025-08-04.

Conditions:
Inborn genetic diseases. Identifiers: MedGen C0950123, MeSH D030342.

Allele frequency attached by ClinVar (database versions not stated): ExAC 0.00004; gnomAD 0.00004; TOPMed 0.00004; gnomAD exomes 0.00007.

Submissions (2):

Ambry Genetics
Classification: Uncertain significance for Inborn genetic diseases. Last evaluated: 2025-08-04. Review status: criteria provided, single submitter. Criteria: Ambry Variant Classification Scheme 2023. Collection method: clinical testing. Allele origin: germline.

Labcorp Genetics (formerly Invitae), Labcorp
Classification: Uncertain significance. Last evaluated: 2022-09-07. Review status: criteria provided, single submitter. Criteria: Invitae Variant Classification Sherloc (09022015). Collection method: clinical testing. Allele origin: germline.
Comment: This sequence change replaces arginine, which is basic and polar, with tryptophan, which is neutral and slightly polar, at codon 224 of the DOCK6 protein (p.Arg224Trp). This variant is present in population databases (rs749126374, gnomAD 0.03%). This variant has not been reported in the literature in individuals affected with DOCK6-related conditions. ClinVar contains an entry for this variant (Variation ID: 1505707). Algorithms developed to predict the effect of missense changes on protein structure and function are either unavailable or do not agree on the potential impact of this missense change (SIFT: "Deleterious"; PolyPhen-2: "Possibly Damaging"; Align-GVGD: "Class C0"). In summary, the available evidence is currently insufficient to determine the role of this variant in disease. Therefore, it has been classified as a Variant of Uncertain Significance.